The following is an entry in ClinVar:

NM_001374828.1(ARID1B):c.5182G>A (p.Glu1728Lys)

Gene: ARID1B (AT-rich interaction domain 1B; plus strand). Cytogenetic location: 6q25.3.
Variant type: single nucleotide variant.
Coding change: c.5182G>A on transcript NM_001374828.1 (MANE Select); coding-DNA position 5182, G replaced by A.
Protein change: p.Glu1728Lys; replaces glutamic acid 1728 with lysine.
Molecular consequence: missense variant.
Genome position (GRCh38, 1-based): chr6:157,201,407, G>A. VCF-style: chr6-157201407-G-A. GRCh37 (hg19) VCF-style: chr6-157522541-G-A.
Other names: c.4813G>A, p.Glu1605Lys (NM_020732.3); c.2683G>A, p.Glu895Lys (NM_001363725.2); c.5062G>A, p.Glu1688Lys (NM_001371656.1, NM_001374820.1); c.5023G>A, p.Glu1675Lys (NM_017519.3); short protein forms E1605K, E895K, E1675K, E1688K, E1728K.
Identifiers: ClinVar variation 588815 (VCV000588815.8), dbSNP rs976192470, ClinGen allele CA150370465.

ClinVar aggregate classification (germline): Uncertain significance. Review status: criteria provided, multiple submitters, no conflicts (2 of 4 stars). 3 submissions from 3 submitters: Uncertain significance (3). Last evaluated 2021-07-15.

Conditions:
Coffin-Siris syndrome 1 (CSS1). Also called: Mental retardation, autosomal dominant 12; ARID1B-Related Coffin-Siris Syndrome. Identifiers: Orphanet 1465, MedGen C3281201, MONDO:0007617, OMIM 135900. Disease mechanism: gain of function.
Inborn genetic diseases. Identifiers: MedGen C0950123, MeSH D030342.

Allele frequency attached by ClinVar (database versions not stated): gnomAD exomes below 0.00001; TOPMed below 0.00001.
gnomAD v4.1: 3 of 1,583,906 alleles (0.00019%); highest among the groups gnomAD compares: Non-Finnish European, 0.00026%; no homozygotes.

Submissions (3):

Genome-Nilou Lab
Classification: Uncertain significance for Coffin-Siris syndrome 1. Last evaluated: 2021-07-15. Review status: criteria provided, single submitter. Criteria: ACMG Guidelines, 2015. Collection method: clinical testing. Allele origin: germline. Affected: no.

Baylor Genetics
Classification: Uncertain significance for Coffin-Siris syndrome 1. Last evaluated: 2018-10-01. Review status: criteria provided, single submitter. Criteria: ACMG Guidelines, 2015. Collection method: clinical testing. Allele origin: paternal. Affected: yes.
Comment: This variant was determined to be of uncertain significance according to ACMG Guidelines, 2015 [PMID:25741868].

Ambry Genetics
Classification: Uncertain significance for Inborn genetic diseases. Last evaluated: 2017-07-21. Review status: criteria provided, single submitter. Criteria: Ambry Variant Classification Scheme 2023. Collection method: clinical testing. Allele origin: germline.
Comment: The p.E1605K variant (also known as c.4813G>A), located in coding exon 18 of the ARID1B gene, results from a G to A substitution at nucleotide position 4813. The glutamic acid at codon 1605 is replaced by lysine, an amino acid with similar properties. This amino acid position is well conserved in available vertebrate species. In addition, this alteration is predicted to be tolerated by in silico analysis. Since supporting evidence is limited at this time, the clinical significance of this alteration remains unclear.